The following is an entry in ClinVar:

ClinVar aggregate classification (germline): Pathogenic (1 of 4 stars; one submission).

Conditions:
Hereditary diffuse gastric adenocarcinoma (HDGC). Also called: DIFFUSE GASTRIC AND LOBULAR BREAST CANCER SYNDROME. Identifiers: Orphanet 26106, MedGen C1708349, MONDO:0007648, OMIM 137215.

Submission:

European Reference Network on Genetic Tumour Risk Syndromes (ERN-GENTURIS), i3s - Instituto de Investigação e Inovação em Saúde, University of Porto
Classification: Pathogenic for Hereditary diffuse gastric adenocarcinoma. Last evaluated: 2022-08-01. Review status: criteria provided, single submitter. Criteria: Lee et al. (Hum Mutat. 2018). Collection method: clinical testing. Allele origin: germline. Inheritance: Autosomal dominant inheritance. Affected: yes. Study: ERN GENTURIS.
Comment: PVS1; PS4_Supporting; PM2 (PMID: 30311375)

Literature cited by the submitters: PubMed 36436516.

NM_004360.5(CDH1):c.336del (p.Val114fs)

Gene: CDH1 (cadherin 1; plus strand). Cytogenetic location: 16q22.1.
Variant type: Deletion.
Coding change: c.336del on transcript NM_004360.5 (MANE Select); coding-DNA position 336, one base deleted (C; older notation c.336delC).
Protein change: p.Val114fs; shifts the reading frame from valine 114.
Molecular consequence: frameshift variant. On other transcripts: 5 prime UTR variant (2).
Genome position (GRCh38, 1-based): chr16:68,801,842, C deleted; the last of 2 consecutive C bases (chr16:68,801,841-68,801,842); deleting either gives the same sequence. VCF-style (leftmost placement, unchanged base first): chr16-68801840-AC-A. GRCh37 (hg19) VCF-style: chr16-68835743-AC-A.
Other names: c.336del, p.Val114fs (NM_001317184.2); c.-1280del (NM_001317185.2); c.-1484del (NM_001317186.2); short protein forms V114fs.
Identifiers: ClinVar variation 2503032 (VCV002503032.1), dbSNP rs2543905586, ClinGen allele CA2580612839.